The following is an entry in ClinVar:

NM_001105206.3(LAMA4):c.1551+5A>G

Gene: LAMA4 (laminin subunit alpha 4; minus strand). Cytogenetic location: 6q21.
Variant type: single nucleotide variant.
Coding change: c.1551+5A>G on transcript NM_001105206.3 (MANE Select); 5 bases into the intron after coding-DNA position 1551, A replaced by G.
Molecular consequence: intron variant.
Genome position (GRCh38, 1-based): chr6:112,172,606, T>C on the plus strand (A>G on the coding strand, the complement: LAMA4 is on the minus strand). VCF-style: chr6-112172606-T-C. GRCh37 (hg19) VCF-style: chr6-112493808-T-C.
Other names: c.1530+5A>G (NM_002290.5, NM_001105207.3).
Identifiers: ClinVar variation 505826 (VCV000505826.5), dbSNP rs1554342189, ClinGen allele CA658796808.

ClinVar aggregate classification (germline): Uncertain significance (1 of 4 stars; one submission).

Allele frequency attached by ClinVar (database versions not stated): gnomAD exomes below 0.00001.
gnomAD v4.1: 1 of 1,612,456 alleles (0.000062%); highest among the groups gnomAD compares: African/African-American, 0.0013%; no homozygotes.

Submission:

Laboratory for Molecular Medicine, Mass General Brigham Personalized Medicine
Classification: Uncertain significance. Last evaluated: 2019-10-25. Review status: criteria provided, single submitter. Criteria: LMM Criteria. Collection method: clinical testing. Allele origin: germline. Observed: 2 variant alleles.
Comment: The c.1530+5A>G variant in LAMA4 has not been previously reported in individuals with cardiomyopathy or in large population studies. This variant is located in the 5' splice region. Computational tools do not suggest an impact to splicing. However, this information is not predictive enough to rule out pathogenicity. In summary, the clinical significance of the c.1530+5A>G variant is uncertain. ACMG/AMP Criteria Applied: PM2, BP4.